The following is an entry in ClinVar:

NM_002661.5(PLCG2):c.1812C>T (p.Asn604=)

Gene: PLCG2 (phospholipase C gamma 2; plus strand). Cytogenetic location: 16q23.3.
Variant type: single nucleotide variant.
Coding change: c.1812C>T on transcript NM_002661.5 (MANE Select); coding-DNA position 1812, C replaced by T.
Protein change: p.Asn604=; no amino-acid change (asparagine 604 retained).
Molecular consequence: synonymous variant.
Genome position (GRCh38, 1-based): chr16:81,910,598, C>T. VCF-style: chr16-81910598-C-T. GRCh37 (hg19) VCF-style: chr16-81944203-C-T.
Identifiers: ClinVar variation 540122 (VCV000540122.26), dbSNP rs191668546, ClinGen allele CA8193947.

ClinVar aggregate classification (germline): Benign/Likely benign. Review status: criteria provided, multiple submitters, no conflicts (2 of 4 stars). 5 submissions from 5 submitters: Benign (2); Likely benign (2). 1 of the submissions does not count toward it. Last evaluated 2026-01-23.

Conditions:
PLCG2-related disorder. Also called: PLCG2-related condition.
Familial cold autoinflammatory syndrome 3 (FCAS3). Also called: FAMILIAL ATYPICAL COLD URTICARIA; ANTIBODY DEFICIENCY AND IMMUNE DYSREGULATION, PLCG2-ASSOCIATED. Identifiers: Orphanet 300359, MedGen C3280914, MONDO:0013766, OMIM 614468.

Allele frequency attached by ClinVar (database versions not stated): gnomAD 0.00015 and 0.00017; ExAC 0.00026; gnomAD exomes 0.00028; TOPMed 0.00030; 1000 Genomes Project 0.00060; 1000 Genomes Project 30x 0.00062.
gnomAD v4.1: 217 of 1,614,156 alleles (0.013%); highest among the groups gnomAD compares: East Asian, 0.29%; no homozygotes.

Submissions (5):

Women's Health and Genetics/Laboratory Corporation of America, LabCorp
Classification: Benign. Last evaluated: 2026-01-23. Review status: criteria provided, single submitter. Criteria: LabCorp Variant Classification Summary - May 2015. Collection method: clinical testing. Allele origin: germline.

Labcorp Genetics (formerly Invitae), Labcorp
Classification: Benign for Familial cold autoinflammatory syndrome 3. Last evaluated: 2026-01-22. Review status: criteria provided, single submitter. Criteria: Invitae Variant Classification Sherloc (09022015). Collection method: clinical testing. Allele origin: germline.

CeGaT Center for Human Genetics Tuebingen
Classification: Likely benign. Last evaluated: 2025-06-01. Review status: criteria provided, single submitter. Criteria: CeGaT Center For Human Genetics Tuebingen Variant Classification Criteria Version 2. Collection method: clinical testing. Allele origin: germline. Affected: yes. Observed: 1 variant allele.
Comment: PLCG2: BP4, BS2

Blueprint Genetics
Classification: Likely benign. Last evaluated: 2024-10-09. Review status: criteria provided, single submitter. Criteria: ACMG Guidelines, 2015. Collection method: clinical testing. Allele origin: germline.

PreventionGenetics, part of Exact Sciences
Classification: Likely benign for PLCG2-related condition. Last evaluated: 2019-05-28. Review status: no assertion criteria provided. Collection method: clinical testing. Allele origin: germline. Not counted in ClinVar's aggregate classification.
Comment: This variant is classified as likely benign based on ACMG/AMP sequence variant interpretation guidelines (Richards et al. 2015 PMID: 25741868, with internal and published modifications).